The following is an entry in ClinVar:

ClinVar aggregate classification (germline): Uncertain significance (1 of 4 stars; one submission).

Conditions:
Inborn genetic diseases. Identifiers: MedGen C0950123, MeSH D030342.

Submission:

Ambry Genetics
Classification: Uncertain significance for Inborn genetic diseases. Last evaluated: 2022-07-11. Review status: criteria provided, single submitter. Criteria: Ambry Variant Classification Scheme 2023. Collection method: clinical testing. Allele origin: germline.
Comment: The p.H385R variant (also known as c.1154A>G), located in coding exon 9 of the BUB1B gene, results from an A to G substitution at nucleotide position 1154. The histidine at codon 385 is replaced by arginine, an amino acid with highly similar properties. This amino acid position is conserved. In addition, this alteration is predicted to be tolerated by in silico analysis. Since supporting evidence is limited at this time, the clinical significance of this alteration remains unclear.

NM_001211.6(BUB1B):c.1154A>G (p.His385Arg)

Gene: BUB1B (BUB1 mitotic checkpoint serine/threonine kinase B; plus strand). Cytogenetic location: 15q15.1.
Variant type: single nucleotide variant.
Coding change: c.1154A>G on transcript NM_001211.6 (MANE Select); coding-DNA position 1154, A replaced by G.
Protein change: p.His385Arg; replaces histidine 385 with arginine.
Molecular consequence: missense variant.
Genome position (GRCh38, 1-based): chr15:40,196,640, A>G. VCF-style: chr15-40196640-A-G. GRCh37 (hg19) VCF-style: chr15-40488841-A-G.
Other names: short protein forms H385R.
Identifiers: ClinVar variation 1734848 (VCV001734848.2), dbSNP rs2542550463, ClinGen allele CA391687206.